The following is an entry in ClinVar:

NM_007144.3(PCGF2):c.5A>C (p.His2Pro)

Gene: PCGF2 (polycomb group ring finger 2; minus strand). Cytogenetic location: 17q12.
Variant type: single nucleotide variant.
Coding change: c.5A>C on transcript NM_007144.3 (MANE Select); coding-DNA position 5, A replaced by C.
Protein change: p.His2Pro; replaces histidine 2 with proline.
Molecular consequence: missense variant.
Genome position (GRCh38, 1-based): chr17:38,740,398, T>G on the plus strand (A>C on the coding strand, the complement: PCGF2 is on the minus strand). VCF-style: chr17-38740398-T-G. GRCh37 (hg19) VCF-style: chr17-36896651-T-G.
Other names: c.5A>C, p.His2Pro (NM_001369614.1, NM_001369615.1); short protein forms H2P.
Identifiers: ClinVar variation 2325754 (VCV002325754.5), dbSNP rs1164566149, ClinGen allele CA398823643.

ClinVar aggregate classification (germline): Uncertain significance. Review status: criteria provided, multiple submitters, no conflicts (2 of 4 stars). 3 submissions from 3 submitters: Uncertain significance (2). 1 of the submissions does not count toward it. Last evaluated 2024-04-15.

Conditions:
Inborn genetic diseases. Identifiers: MedGen C0950123, MeSH D030342.
PCGF2-related disorder. Also called: PCGF2-related condition.

Submissions (3):

Labcorp Genetics (formerly Invitae), Labcorp
Classification: Uncertain significance. Last evaluated: 2024-04-15. Review status: criteria provided, single submitter. Criteria: Invitae Variant Classification Sherloc (09022015). Collection method: clinical testing. Allele origin: germline.
Comment: This sequence change replaces histidine, which is basic and polar, with proline, which is neutral and non-polar, at codon 2 of the PCGF2 protein (p.His2Pro). This variant is not present in population databases (gnomAD no frequency). This variant has not been reported in the literature in individuals affected with PCGF2-related conditions. ClinVar contains an entry for this variant (Variation ID: 2325754). An algorithm developed to predict the effect of missense changes on protein structure and function (PolyPhen-2) suggests that this variant is likely to be disruptive. In summary, the available evidence is currently insufficient to determine the role of this variant in disease. Therefore, it has been classified as a Variant of Uncertain Significance.

Ambry Genetics
Classification: Uncertain significance for Inborn genetic diseases. Last evaluated: 2022-11-10. Review status: criteria provided, single submitter. Criteria: Ambry Variant Classification Scheme 2023. Collection method: clinical testing. Allele origin: germline.

PreventionGenetics, part of Exact Sciences
Classification: Uncertain significance for PCGF2-related condition. Last evaluated: 2024-07-26. Review status: no assertion criteria provided. Collection method: clinical testing. Allele origin: germline. Not counted in ClinVar's aggregate classification.
Comment: The PCGF2 c.5A>C variant is predicted to result in the amino acid substitution p.His2Pro. To our knowledge, this variant has not been reported in the literature or in a large population database, indicating this variant is rare. At this time, the clinical significance of this variant is uncertain due to the absence of conclusive functional and genetic evidence.